The following is an entry in ClinVar:

ClinVar aggregate classification (germline): Likely benign (0 of 4 stars; one submission).

Conditions:
KSR2-related disorder. Also called: KSR2-related condition.

gnomAD v4.1: 64 of 1,613,056 alleles (0.004%); highest among the groups gnomAD compares: Non-Finnish European, 0.0053%; no homozygotes.

Submission:

PreventionGenetics, part of Exact Sciences
Classification: Likely benign for KSR2-related condition. Last evaluated: 2024-08-30. Review status: no assertion criteria provided. Collection method: clinical testing. Allele origin: germline.
Comment: This variant is classified as likely benign based on ACMG/AMP sequence variant interpretation guidelines (Richards et al. 2015 PMID: 25741868, with internal and published modifications).

NM_173598.6(KSR2):c.1802+8A>G

Gene: KSR2 (kinase suppressor of ras 2; minus strand). Cytogenetic location: 12q24.22.
Variant type: single nucleotide variant.
Coding change: c.1802+8A>G on transcript NM_173598.6 (MANE Select); 8 bases into the intron after coding-DNA position 1802, A replaced by G.
Molecular consequence: intron variant.
Genome position (GRCh38, 1-based): chr12:117,530,933, T>C on the plus strand (A>G on the coding strand, the complement: KSR2 is on the minus strand). VCF-style: chr12-117530933-T-C. GRCh37 (hg19) VCF-style: chr12-117968738-T-C.
Identifiers: ClinVar variation 3358834 (VCV003358834.1).